The following is an entry in ClinVar:

ClinVar aggregate classification (germline): Uncertain significance (1 of 4 stars; one submission).

Submission:

Ambry Genetics
Classification: Uncertain significance. Last evaluated: 2023-11-11. Review status: criteria provided, single submitter. Criteria: Ambry Variant Classification Scheme 2023. Collection method: clinical testing. Allele origin: germline.
Comment: The p.V475M variant (also known as c.1423G>A), located in coding exon 13 of the RAD54L gene, results from a G to A substitution at nucleotide position 1423. The valine at codon 475 is replaced by methionine, an amino acid with highly similar properties. This amino acid position is conserved. In addition, this alteration is predicted to be tolerated by in silico analysis. Since supporting evidence is limited at this time, the clinical significance of this alteration remains unclear.

NM_003579.4(RAD54L):c.1423G>A (p.Val475Met)

Gene: RAD54L (RAD54 like; plus strand). Cytogenetic location: 1p34.1.
Variant type: single nucleotide variant.
Coding change: c.1423G>A on transcript NM_003579.4 (MANE Select); coding-DNA position 1423, G replaced by A.
Protein change: p.Val475Met; replaces valine 475 with methionine.
Molecular consequence: missense variant.
Genome position (GRCh38, 1-based): chr1:46,273,402, G>A. VCF-style: chr1-46273402-G-A. GRCh37 (hg19) VCF-style: chr1-46739074-G-A.
Other names: c.1423G>A, p.Val475Met (NM_001142548.2); c.883G>A, p.Val295Met (NM_001370766.1); short protein forms V295M, V475M.
Identifiers: ClinVar variation 1772313 (VCV001772313.2), dbSNP rs1012976812, ClinGen allele CA21897646.